The following is an entry in ClinVar:

NM_176869.3(PPA2):c.976+3A>G

Gene: PPA2 (inorganic pyrophosphatase 2; minus strand). Cytogenetic location: 4q24.
Variant type: single nucleotide variant.
Coding change: c.976+3A>G on transcript NM_176869.3 (MANE Select); 3 bases into the intron after coding-DNA position 976, A replaced by G.
Molecular consequence: intron variant.
Genome position (GRCh38, 1-based): chr4:105,370,834, T>C on the plus strand (A>G on the coding strand, the complement: PPA2 is on the minus strand). VCF-style: chr4-105370834-T-C. GRCh37 (hg19) VCF-style: chr4-106291991-T-C.
Other names: c.478+3A>G (NM_176867.3); c.670+3A>G (NM_176866.2); c.889+3A>G (NM_006903.4).
Identifiers: ClinVar variation 1483129 (VCV001483129.6), dbSNP rs758121401, ClinGen allele CA3032341.

ClinVar aggregate classification (germline): Uncertain significance (1 of 4 stars; one submission).

Allele frequency attached by ClinVar (database versions not stated): TOPMed below 0.00001; gnomAD exomes 0.00001.

Submission:

Labcorp Genetics (formerly Invitae), Labcorp
Classification: Uncertain significance. Last evaluated: 2024-04-10. Review status: criteria provided, single submitter. Criteria: Invitae Variant Classification Sherloc (09022015). Collection method: clinical testing. Allele origin: germline.
Comment: This sequence change falls in intron 11 of the PPA2 gene. It does not directly change the encoded amino acid sequence of the PPA2 protein. It affects a nucleotide within the consensus splice site. The frequency data for this variant in the population databases is considered unreliable, as metrics indicate poor data quality at this position in the gnomAD database. This variant has not been reported in the literature in individuals affected with PPA2-related conditions. ClinVar contains an entry for this variant (Variation ID: 1483129). Variants that disrupt the consensus splice site are a relatively common cause of aberrant splicing (PMID: 17576681, 9536098). Algorithms developed to predict the effect of sequence changes on RNA splicing suggest that this variant may disrupt the consensus splice site. In summary, the available evidence is currently insufficient to determine the role of this variant in disease. Therefore, it has been classified as a Variant of Uncertain Significance.

Literature cited by the submitters: PubMed 17576681; PubMed 9536098.